The following is an entry in ClinVar:

NM_144499.3(GNAT1):c.854A>G (p.Asp285Gly)

Gene: GNAT1 (G protein subunit alpha transducin 1; plus strand). Cytogenetic location: 3p21.31.
Variant type: single nucleotide variant.
Coding change: c.854A>G on transcript NM_144499.3 (MANE Select); coding-DNA position 854, A replaced by G.
Protein change: p.Asp285Gly; replaces aspartic acid 285 with glycine.
Molecular consequence: missense variant.
Genome position (GRCh38, 1-based): chr3:50,194,646, A>G. VCF-style: chr3-50194646-A-G. GRCh37 (hg19) VCF-style: chr3-50232079-A-G.
Other names: c.854A>G, p.Asp285Gly (NM_000172.4); short protein forms D285G.
Identifiers: ClinVar variation 1496068 (VCV001496068.6), dbSNP rs2109139906, ClinGen allele CA352918537.
Genomic context (GRCh38, chr3:50,194,646, plus strand): 5'-ACAAGAAGGACGTCTTCTTCGAGAAGATCAAGAAGGCGCACCTCAGCATCTGTTTCCCGG[A>G]CTACGATGGTGAGAAGTCCGCAAGGCCGCCAGGCGGCGCCCCCGCCCCACGATCGCGGCG-3'
Protein context (NP_653082.1, residues 275-295): KKAHLSICFP[Asp285Gly]YDGPNTYEDA

ClinVar aggregate classification (germline): Uncertain significance (1 of 4 stars; one submission).

Submission:

Labcorp Genetics (formerly Invitae), Labcorp
Classification: Uncertain significance. Last evaluated: 2025-01-15. Review status: criteria provided, single submitter. Criteria: Invitae Variant Classification Sherloc (09022015). Collection method: clinical testing. Allele origin: germline.
Comment: This sequence change replaces aspartic acid, which is acidic and polar, with glycine, which is neutral and non-polar, at codon 285 of the GNAT1 protein (p.Asp285Gly). This variant is not present in population databases (gnomAD no frequency). This variant has not been reported in the literature in individuals affected with GNAT1-related conditions. ClinVar contains an entry for this variant (Variation ID: 1496068). Invitae Evidence Modeling of protein sequence and biophysical properties (such as structural, functional, and spatial information, amino acid conservation, physicochemical variation, residue mobility, and thermodynamic stability) indicates that this missense variant is not expected to disrupt GNAT1 protein function with a negative predictive value of 80%. In summary, the available evidence is currently insufficient to determine the role of this variant in disease. Therefore, it has been classified as a Variant of Uncertain Significance.